The following is an entry in ClinVar:

NM_001257291.2(SLC9A7):c.1717G>A (p.Asp573Asn)

Gene: SLC9A7 (solute carrier family 9 member A7; minus strand). Cytogenetic location: Xp11.3.
Variant type: single nucleotide variant.
Coding change: c.1717G>A on transcript NM_001257291.2 (MANE Select); coding-DNA position 1717, G replaced by A.
Protein change: p.Asp573Asn; replaces aspartic acid 573 with asparagine.
Molecular consequence: missense variant.
Genome position (GRCh38, 1-based): chrX:46,631,609, C>T on the plus strand (G>A on the coding strand, the complement: SLC9A7 is on the minus strand). VCF-style: chrX-46631609-C-T. GRCh37 (hg19) VCF-style: chrX-46491044-C-T.
Other names: c.1714G>A, p.Asp572Asn (NM_032591.3); c.1714G>A (NM_032591.1); short protein forms D572N, D573N.
Identifiers: ClinVar variation 1806568 (VCV001806568.4), dbSNP rs1569504607, ClinGen allele CA413034488.
Genomic context (GRCh38, chrX:46,631,609, plus strand): 5'-ATGTCTTCCCCAGGAAGAAGCATCTCTTGTGACTTACCCCTTGTAAGACTTGAAAGCTGT[C>T]GTTGTTGGGTGGTGGGTCTTGATCGGGGTCAACACCAACTCTGAAAGTCACCAGGGAGAA-3'
Protein context (NP_001244220.1, residues 563-583): DPDQDPPPNN[Asp573Asn]SFQVLQGDGP

ClinVar aggregate classification (germline): Uncertain significance. Review status: criteria provided, multiple submitters, no conflicts (2 of 4 stars). 2 submissions from 2 submitters: Uncertain significance (2). Last evaluated 2022-06-20.

Allele frequency attached by ClinVar (database versions not stated): gnomAD 0.00001; gnomAD exomes 0.00001; TOPMed 0.00001.
gnomAD v4.1: 8 of 1,208,143 alleles (0.00066%); highest among the groups gnomAD compares: South Asian, 0.0035%; no homozygotes.

Submissions (2):

GeneDx
Classification: Uncertain significance. Last evaluated: 2022-06-20. Review status: criteria provided, single submitter. Criteria: GeneDx Variant Classification Process June 2021. Collection method: clinical testing. Allele origin: germline. Affected: yes.
Comment: In silico analysis supports that this missense variant does not alter protein structure/function; Has not been previously published as pathogenic or benign to our knowledge

Ambry Genetics
Classification: Uncertain significance. Last evaluated: 2022-03-03. Review status: criteria provided, single submitter. Criteria: Ambry Variant Classification Scheme 2023. Collection method: clinical testing. Allele origin: germline.